The following is an entry in ClinVar:

NM_012470.4(TNPO3):c.737C>T (p.Ser246Leu)

Gene: TNPO3 (transportin 3; minus strand). Cytogenetic location: 7q32.1.
Variant type: single nucleotide variant.
Coding change: c.737C>T on transcript NM_012470.4 (MANE Select); coding-DNA position 737, C replaced by T.
Protein change: p.Ser246Leu; replaces serine 246 with leucine.
Molecular consequence: missense variant. On other transcripts: non-coding transcript variant (18).
Genome position (GRCh38, 1-based): chr7:129,001,194, G>A on the plus strand (C>T on the coding strand, the complement: TNPO3 is on the minus strand). VCF-style: chr7-129001194-G-A. GRCh37 (hg19) VCF-style: chr7-128641248-G-A.
Other names: c.737C>T, p.Ser246Leu (NM_001191028.3, NM_001382216.1, NM_001382218.1 and 4 more transcripts); c.818C>T, p.Ser273Leu (NM_001382217.1); c.593C>T, p.Ser198Leu (NM_001382221.1); short protein forms S198L, S273L, S246L.
Identifiers: ClinVar variation 2069283 (VCV002069283.4), dbSNP rs1007669048, ClinGen allele CA166220959.

ClinVar aggregate classification (germline): Uncertain significance (1 of 4 stars; one submission).

Conditions:
Autosomal dominant limb-girdle muscular dystrophy type 1F (LGMDD2). Also called: Limb-girdle muscular dystrophy, type 1F; MUSCULAR DYSTROPHY, LIMB-GIRDLE, AUTOSOMAL DOMINANT 2. Identifiers: Orphanet 55595, MedGen C1842062, MONDO:0012034, OMIM 608423.

Allele frequency attached by ClinVar (database versions not stated): gnomAD 0.00001; gnomAD exomes 0.00001; TOPMed 0.00001.
gnomAD v4.1: 10 of 1,613,616 alleles (0.00062%); highest among the groups gnomAD compares: South Asian, 0.0022%; no homozygotes.

Submission:

Labcorp Genetics (formerly Invitae), Labcorp
Classification: Uncertain significance for Autosomal dominant limb-girdle muscular dystrophy type 1F. Last evaluated: 2026-01-11. Review status: criteria provided, single submitter. Criteria: Invitae Variant Classification Sherloc (09022015). Collection method: clinical testing. Allele origin: germline.
Comment: This sequence change replaces serine, which is neutral and polar, with leucine, which is neutral and non-polar, at codon 246 of the TNPO3 protein (p.Ser246Leu). This variant is present in population databases (no rsID available, gnomAD 0.003%). This variant has not been reported in the literature in individuals affected with TNPO3-related conditions. ClinVar contains an entry for this variant (Variation ID: 2069283). Invitae Evidence Modeling of protein sequence and biophysical properties (such as structural, functional, and spatial information, amino acid conservation, physicochemical variation, residue mobility, and thermodynamic stability) indicates that this missense variant is not expected to disrupt TNPO3 protein function with a negative predictive value of 80%. In summary, the available evidence is currently insufficient to determine the role of this variant in disease. Therefore, it has been classified as a Variant of Uncertain Significance.